The following is an entry in ClinVar:

NM_000443.4(ABCB4):c.1865G>C (p.Gly622Ala)

Gene: ABCB4 (ATP binding cassette subfamily B member 4; minus strand). Cytogenetic location: 7q21.12.
Variant type: single nucleotide variant.
Coding change: c.1865G>C on transcript NM_000443.4 (MANE Select); coding-DNA position 1865, G replaced by C.
Protein change: p.Gly622Ala; replaces glycine 622 with alanine.
Molecular consequence: missense variant.
Genome position (GRCh38, 1-based): chr7:87,431,432, C>G on the plus strand (G>C on the coding strand, the complement: ABCB4 is on the minus strand). VCF-style: chr7-87431432-C-G. GRCh37 (hg19) VCF-style: chr7-87060748-C-G.
Other names: c.1865G>C, p.Gly622Ala (NM_018849.3, NM_018850.3); short protein forms G622A.
Identifiers: ClinVar variation 2996823 (VCV002996823.3), dbSNP rs756935975, ClinGen allele CA368034520.

ClinVar aggregate classification (germline): Uncertain significance (1 of 4 stars; one submission).

Submission:

Labcorp Genetics (formerly Invitae), Labcorp
Classification: Uncertain significance. Last evaluated: 2022-11-06. Review status: criteria provided, single submitter. Criteria: Invitae Variant Classification Sherloc (09022015). Collection method: clinical testing. Allele origin: germline.
Comment: This sequence change replaces glycine, which is neutral and non-polar, with alanine, which is neutral and non-polar, at codon 622 of the ABCB4 protein (p.Gly622Ala). This variant is not present in population databases (gnomAD no frequency). This variant has not been reported in the literature in individuals affected with ABCB4-related conditions. Advanced modeling of protein sequence and biophysical properties (such as structural, functional, and spatial information, amino acid conservation, physicochemical variation, residue mobility, and thermodynamic stability) has been performed at Invitae for this missense variant, however the output from this modeling did not meet the statistical confidence thresholds required to predict the impact of this variant on ABCB4 protein function. In summary, the available evidence is currently insufficient to determine the role of this variant in disease. Therefore, it has been classified as a Variant of Uncertain Significance.